The following is an entry in ClinVar:

ClinVar aggregate classification (germline): Uncertain significance. Review status: criteria provided, multiple submitters, no conflicts (2 of 4 stars). 2 submissions from 2 submitters: Uncertain significance (2). Last evaluated 2023-01-17.

Conditions:
Inborn genetic diseases. Identifiers: MedGen C0950123, MeSH D030342.

Allele frequency attached by ClinVar (database versions not stated): gnomAD 0.00006; gnomAD exomes 0.00007 and 0.00013; TOPMed 0.00009; ExAC 0.00011; ESP Exome Variant Server 0.00048.

Submissions (2):

Ambry Genetics
Classification: Uncertain significance for Inborn genetic diseases. Last evaluated: 2023-01-17. Review status: criteria provided, single submitter. Criteria: Ambry Variant Classification Scheme 2023. Collection method: clinical testing. Allele origin: germline.

Labcorp Genetics (formerly Invitae), Labcorp
Classification: Uncertain significance. Last evaluated: 2022-09-07. Review status: criteria provided, single submitter. Criteria: Invitae Variant Classification Sherloc (09022015). Collection method: clinical testing. Allele origin: germline.
Comment: This sequence change replaces proline, which is neutral and non-polar, with leucine, which is neutral and non-polar, at codon 491 of the GPAA1 protein (p.Pro491Leu). This variant is present in population databases (rs202106798, gnomAD 0.02%). This variant has not been reported in the literature in individuals affected with GPAA1-related conditions. ClinVar contains an entry for this variant (Variation ID: 1345514). Algorithms developed to predict the effect of missense changes on protein structure and function output the following: SIFT: "Deleterious"; PolyPhen-2: "Benign"; Align-GVGD: "Class C0". The leucine amino acid residue is found in multiple mammalian species, which suggests that this missense change does not adversely affect protein function. In summary, the available evidence is currently insufficient to determine the role of this variant in disease. Therefore, it has been classified as a Variant of Uncertain Significance.

NM_003801.4(GPAA1):c.1472C>T (p.Pro491Leu)

Gene: GPAA1 (glycosylphosphatidylinositol anchor attachment 1; plus strand). Cytogenetic location: 8q24.3.
Variant type: single nucleotide variant.
Coding change: c.1472C>T on transcript NM_003801.4 (MANE Select); coding-DNA position 1472, C replaced by T.
Protein change: p.Pro491Leu; replaces proline 491 with leucine.
Molecular consequence: missense variant.
Genome position (GRCh38, 1-based): chr8:144,085,593, C>T. VCF-style: chr8-144085593-C-T. GRCh37 (hg19) VCF-style: chr8-145140496-C-T.
Other names: c.1472C>T (NM_003801.3); short protein forms P491L.
Identifiers: ClinVar variation 1345514 (VCV001345514.4), dbSNP rs202106798, ClinGen allele CA4933183.